The following is an entry in ClinVar:

NM_014795.4(ZEB2):c.1321G>T (p.Val441Leu)

Gene: ZEB2 (zinc finger E-box binding homeobox 2; minus strand). Cytogenetic location: 2q22.3.
Variant type: single nucleotide variant.
Coding change: c.1321G>T on transcript NM_014795.4 (MANE Select); coding-DNA position 1321, G replaced by T.
Protein change: p.Val441Leu; replaces valine 441 with leucine.
Molecular consequence: missense variant.
Genome position (GRCh38, 1-based): chr2:144,399,866, C>A on the plus strand (G>T on the coding strand, the complement: ZEB2 is on the minus strand). VCF-style: chr2-144399866-C-A. GRCh37 (hg19) VCF-style: chr2-145157433-C-A.
Other names: c.1249G>T, p.Val417Leu (NM_001171653.2); short protein forms V441L, V417L.
Identifiers: ClinVar variation 2737900 (VCV002737900.3), dbSNP rs1341111083, ClinGen allele CA348712112.
Genomic context (GRCh38, chr2:144,399,866, plus strand): 5'-GTACCTCACTTAAATTACTATTCATGGTGGGAAACCCAAGTAAAGGGGCTTCCATCCCTA[C>A]ACCTAAGTGCTGCATTGGACTCTGAGCAGATGGATGAACTCCTAAAGGGCTGGTGGCTCC-3'
Protein context (NP_055610.1, residues 431-451): SAQSPMQHLG[Val441Leu]GMEAPLLGFP

ClinVar aggregate classification (germline): Uncertain significance (1 of 4 stars; one submission).

Conditions:
Mowat-Wilson syndrome (MOWS). Also called: Classic Mowat-Wilson Syndrome. Identifiers: Orphanet 2152, MedGen C1856113, MONDO:0009341, OMIM 235730.

Submission:

Labcorp Genetics (formerly Invitae), Labcorp
Classification: Uncertain significance for Mowat-Wilson syndrome. Last evaluated: 2023-12-23. Review status: criteria provided, single submitter. Criteria: Invitae Variant Classification Sherloc (09022015). Collection method: clinical testing. Allele origin: germline.
Comment: This sequence change replaces valine, which is neutral and non-polar, with leucine, which is neutral and non-polar, at codon 441 of the ZEB2 protein (p.Val441Leu). This variant is not present in population databases (gnomAD no frequency). This variant has not been reported in the literature in individuals affected with ZEB2-related conditions. Advanced modeling of protein sequence and biophysical properties (such as structural, functional, and spatial information, amino acid conservation, physicochemical variation, residue mobility, and thermodynamic stability) performed at Invitae indicates that this missense variant is not expected to disrupt ZEB2 protein function with a negative predictive value of 80%. In summary, the available evidence is currently insufficient to determine the role of this variant in disease. Therefore, it has been classified as a Variant of Uncertain Significance.